The following is an entry in ClinVar:

NM_198253.3(TERT):c.1770A>T (p.Arg590Ser)

Gene: TERT (telomerase reverse transcriptase; minus strand). Cytogenetic location: 5p15.33.
Variant type: single nucleotide variant.
Coding change: c.1770A>T on transcript NM_198253.3 (MANE Select); coding-DNA position 1770, A replaced by T.
Protein change: p.Arg590Ser; replaces arginine 590 with serine.
Molecular consequence: missense variant. On other transcripts: non-coding transcript variant (2).
Genome position (GRCh38, 1-based): chr5:1,280,338, T>A on the plus strand (A>T on the coding strand, the complement: TERT is on the minus strand). VCF-style: chr5-1280338-T-A. GRCh37 (hg19) VCF-style: chr5-1280453-T-A.
Other names: c.1770A>T, p.Arg590Ser (NM_001193376.3); short protein forms R590S.
Identifiers: ClinVar variation 5030648 (VCV005030648.1).

ClinVar aggregate classification (germline): Uncertain significance (1 of 4 stars; one submission).

Conditions:
Dyskeratosis congenita. Identifiers: Orphanet 1775, MedGen C0265965, MONDO:0015780.

Submission:

Ambry Genetics
Classification: Uncertain significance for Dyskeratosis congenita. Last evaluated: 2026-07-21. Review status: criteria provided, single submitter. Criteria: Ambry Variant Classification Scheme 2023. Collection method: clinical testing. Allele origin: germline.
Comment: The p.R590S variant (also known as c.1770A>T) is located in coding exon 4 of the TERT gene. The arginine at codon 590 is replaced by serine, an amino acid with dissimilar properties. This change occurs in the first base pair of coding exon 4. This amino acid position is conserved. In addition, the in silico prediction for this alteration is inconclusive. Based on the available evidence, the clinical significance of this variant remains unclear.